The following is an entry in ClinVar:

NM_198525.3(KIF7):c.3508C>T (p.Gln1170Ter)

Genes: KIF7 (kinesin family member 7; minus strand), LOC126862216 (BRD4-independent group 4 enhancer GRCh37_chr15:90171995-90173194; plus strand). Cytogenetic location: 15q26.1.
Variant type: single nucleotide variant.
Coding change: c.3508C>T on transcript NM_198525.3 (MANE Select); coding-DNA position 3508, C replaced by T.
Protein change: p.Gln1170Ter; replaces glutamine 1170 with a stop codon.
Molecular consequence: nonsense.
Genome position (GRCh38, 1-based): chr15:89,629,384, G>A on the plus strand (C>T on the coding strand, the complement: KIF7 is on the minus strand). VCF-style: chr15-89629384-G-A. GRCh37 (hg19) VCF-style: chr15-90172615-G-A.
Other names: short protein forms Q1170*.
Identifiers: ClinVar variation 1335940 (VCV001335940.4), dbSNP rs2141993907, ClinGen allele CA393754558.

ClinVar aggregate classification (germline): Likely pathogenic (1 of 4 stars; one submission).

gnomAD v4.1: 1 of 1,597,210 alleles (0.000063%); highest among the groups gnomAD compares: Non-Finnish European, 0.000085%; no homozygotes.

Submission:

Genetic Services Laboratory, University of Chicago
Classification: Likely pathogenic. Last evaluated: 2019-06-11. Review status: criteria provided, single submitter. Criteria: ACMG Guidelines, 2015. Collection method: clinical testing. Allele origin: germline. Affected: yes.
Comment: DNA sequence analysis of the KIF7 gene demonstrated a sequence change, c.3508C>T which results in the creation of a premature stop codon at amino acid position 1170, p.Gln1170*. The p.Gln1170* change is absent from large population databases such as ExAC and gnomAD. This likely pathogenic sequence change is predicted to result in an abnormal transcript, which may be degraded, or may lead to the production of a truncated KIF7 protein with potentially abnormal function. This sequence change has not been reported previously in patients with KIF7-related disorders; however, a truncating variant affecting an adjacent amino acid (p.Gln1169*) has been identified in a patient with Joubert syndrome (Summers et al. 2017). The p.Gln1170* change is likely to be pathogenic; however, functional studies have not been completed to prove this conclusively.